The following is an entry in ClinVar:

ClinVar aggregate classification (germline): Uncertain significance (1 of 4 stars; one submission).

Conditions:
Inborn genetic diseases. Identifiers: MedGen C0950123, MeSH D030342.

gnomAD v4.1: 1 of 1,614,124 alleles (0.000062%); highest among the groups gnomAD compares: Non-Finnish European, 0.000085%; no homozygotes.

Submission:

Ambry Genetics
Classification: Uncertain significance for Inborn genetic diseases. Last evaluated: 2025-06-29. Review status: criteria provided, single submitter. Criteria: Ambry Variant Classification Scheme 2023. Collection method: clinical testing. Allele origin: germline.
Comment: The p.Q725R variant (also known as c.2174A>G), located in coding exon 17 of the BUB1B gene, results from an A to G substitution at nucleotide position 2174. The glutamine at codon 725 is replaced by arginine, an amino acid with highly similar properties. This amino acid position is conserved. In addition, this alteration is predicted to be tolerated by in silico analysis. Since supporting evidence is limited at this time, the clinical significance of this alteration remains unclear.

NM_001211.6(BUB1B):c.2174A>G (p.Gln725Arg)

Gene: BUB1B (BUB1 mitotic checkpoint serine/threonine kinase B; plus strand). Cytogenetic location: 15q15.1.
Variant type: single nucleotide variant.
Coding change: c.2174A>G on transcript NM_001211.6 (MANE Select); coding-DNA position 2174, A replaced by G.
Protein change: p.Gln725Arg; replaces glutamine 725 with arginine.
Molecular consequence: missense variant.
Genome position (GRCh38, 1-based): chr15:40,209,665, A>G. VCF-style: chr15-40209665-A-G. GRCh37 (hg19) VCF-style: chr15-40501866-A-G.
Other names: short protein forms Q725R.
Identifiers: ClinVar variation 1787153 (VCV001787153.3), dbSNP rs2140906180, ClinGen allele CA391694230.
Genomic context (GRCh38, chr15:40,209,665, plus strand): 5'-TATATTTTCACCTTTCCCTCCCACTGGCAGAAAACCCTACTCAGTCACCATGGTGTTCAC[A>G]GTATCGCAGACAGCTACTGAAGTCCCTACCAGAGTTAAGTGCCTCTGCAGAGTTGTGTAT-3'
Protein context (NP_001202.5, residues 715-735): ENPTQSPWCS[Gln725Arg]YRRQLLKSLP